The following is an entry in ClinVar:

NM_014000.3(VCL):c.184G>A (p.Val62Ile)

Gene: VCL (vinculin; plus strand). Cytogenetic location: 10q22.2.
Variant type: single nucleotide variant.
Coding change: c.184G>A on transcript NM_014000.3 (MANE Select); coding-DNA position 184, G replaced by A.
Protein change: p.Val62Ile; replaces valine 62 with isoleucine.
Molecular consequence: missense variant.
Genome position (GRCh38, 1-based): chr10:74,043,098, G>A. VCF-style: chr10-74043098-G-A. GRCh37 (hg19) VCF-style: chr10-75802856-G-A.
Other names: c.184G>A, p.Val62Ile (NM_003373.4); short protein forms V62I.
Identifiers: ClinVar variation 1404455 (VCV001404455.8), dbSNP rs147809878, ClinGen allele CA5562722.

ClinVar aggregate classification (germline): Uncertain significance. Review status: criteria provided, multiple submitters, no conflicts (2 of 4 stars). 2 submissions from 2 submitters: Uncertain significance (2). Last evaluated 2023-11-01.

Conditions:
Dilated cardiomyopathy 1W (CMD1W). Identifiers: Orphanet 154, MedGen C1969639, MONDO:0012667, OMIM 611407.
Cardiovascular phenotype. Identifiers: MedGen CN230736.

Allele frequency attached by ClinVar (database versions not stated): gnomAD exomes below 0.00001 and 0.00001; TOPMed below 0.00001; ExAC 0.00001; gnomAD 0.00001; 1000 Genomes Project 30x 0.00016; 1000 Genomes Project 0.00020.
gnomAD v4.1: 7 of 1,613,272 alleles (0.00043%); highest among the groups gnomAD compares: Middle Eastern, 0.017%; no homozygotes.

Submissions (2):

Ambry Genetics
Classification: Uncertain significance for Cardiovascular phenotype. Last evaluated: 2023-11-01. Review status: criteria provided, single submitter. Criteria: Ambry Variant Classification Scheme 2023. Collection method: clinical testing. Allele origin: germline.
Comment: The p.V62I variant (also known as c.184G>A), located in coding exon 2 of the VCL gene, results from a G to A substitution at nucleotide position 184. The valine at codon 62 is replaced by isoleucine, an amino acid with highly similar properties. This amino acid position is highly conserved in available vertebrate species. In addition, this alteration is predicted to be tolerated by in silico analysis. Since supporting evidence is limited at this time, the clinical significance of this alteration remains unclear.

Labcorp Genetics (formerly Invitae), Labcorp
Classification: Uncertain significance for Dilated cardiomyopathy 1W. Last evaluated: 2023-06-15. Review status: criteria provided, single submitter. Criteria: Invitae Variant Classification Sherloc (09022015). Collection method: clinical testing. Allele origin: germline.
Comment: This variant is present in population databases (rs147809878, gnomAD 0.006%). This sequence change replaces valine, which is neutral and non-polar, with isoleucine, which is neutral and non-polar, at codon 62 of the VCL protein (p.Val62Ile). This variant has not been reported in the literature in individuals affected with VCL-related conditions. ClinVar contains an entry for this variant (Variation ID: 1404455). An algorithm developed to predict the effect of missense changes on protein structure and function (PolyPhen-2) suggests that this variant is likely to be tolerated. In summary, the available evidence is currently insufficient to determine the role of this variant in disease. Therefore, it has been classified as a Variant of Uncertain Significance.